The following is an entry in ClinVar:

NM_004946.3(DOCK2):c.4628T>G (p.Phe1543Cys)

Gene: DOCK2 (dedicator of cytokinesis 2; plus strand). Cytogenetic location: 5q35.1.
Variant type: single nucleotide variant.
Coding change: c.4628T>G on transcript NM_004946.3 (MANE Select); coding-DNA position 4628, T replaced by G.
Protein change: p.Phe1543Cys; replaces phenylalanine 1543 with cysteine.
Molecular consequence: missense variant. On other transcripts: non-coding transcript variant (1).
Genome position (GRCh38, 1-based): chr5:170,067,670, T>G. VCF-style: chr5-170067670-T-G. GRCh37 (hg19) VCF-style: chr5-169494674-T-G.
Other names: short protein forms F1543C.
Identifiers: ClinVar variation 2152777 (VCV002152777.4), dbSNP rs1757540693, ClinGen allele CA362112876.
Genomic context (GRCh38, chr5:170,067,670, plus strand): 5'-CCATCAACCCACTCTCCATGCTCCTGAACGGGATTGTGGACCCTGCTGTCATGGGAGGCT[T>G]CGCCAAGTATGAGAAGGTGAGGATTTCTGTTCTCCAAGTCTAGGGGAGCTCGGTGAGCAG-3'
Protein context (NP_004937.1, residues 1533-1553): GIVDPAVMGG[Phe1543Cys]AKYEKAFFTE

ClinVar aggregate classification (germline): Uncertain significance (1 of 4 stars; one submission).

Conditions:
DOCK2 deficiency. Also called: Immunodeficiency 40. Identifiers: Orphanet 447737, MedGen C4225328, MONDO:0014637, OMIM 616433.

Allele frequency attached by ClinVar (database versions not stated): gnomAD exomes below 0.00001; TOPMed 0.00002.
gnomAD v4.1: 3 of 1,614,120 alleles (0.00019%); highest among the groups gnomAD compares: Non-Finnish European, 0.000085%; no homozygotes.

Submission:

Labcorp Genetics (formerly Invitae), Labcorp
Classification: Uncertain significance for DOCK2 deficiency. Last evaluated: 2023-12-07. Review status: criteria provided, single submitter. Criteria: Invitae Variant Classification Sherloc (09022015). Collection method: clinical testing. Allele origin: germline.
Comment: This sequence change replaces phenylalanine, which is neutral and non-polar, with cysteine, which is neutral and slightly polar, at codon 1543 of the DOCK2 protein (p.Phe1543Cys). This variant is not present in population databases (gnomAD no frequency). This variant has not been reported in the literature in individuals affected with DOCK2-related conditions. ClinVar contains an entry for this variant (Variation ID: 2152777). An algorithm developed to predict the effect of missense changes on protein structure and function (PolyPhen-2) suggests that this variant is likely to be disruptive. In summary, the available evidence is currently insufficient to determine the role of this variant in disease. Therefore, it has been classified as a Variant of Uncertain Significance.